The following is an entry in ClinVar:

NM_021999.5(ITM2B):c.440A>G (p.His147Arg)

Gene: ITM2B (integral membrane protein 2B; plus strand). Cytogenetic location: 13q14.2.
Variant type: single nucleotide variant.
Coding change: c.440A>G on transcript NM_021999.5 (MANE Select); coding-DNA position 440, A replaced by G.
Protein change: p.His147Arg; replaces histidine 147 with arginine.
Molecular consequence: missense variant.
Genome position (GRCh38, 1-based): chr13:48,256,370, A>G. VCF-style: chr13-48256370-A-G. GRCh37 (hg19) VCF-style: chr13-48830506-A-G.
Other names: short protein forms H147R.
Identifiers: ClinVar variation 2051559 (VCV002051559.4), dbSNP rs1323966613, ClinGen allele CA388251453.

ClinVar aggregate classification (germline): Uncertain significance (1 of 4 stars; one submission).

Submission:

Labcorp Genetics (formerly Invitae), Labcorp
Classification: Uncertain significance. Last evaluated: 2021-12-21. Review status: criteria provided, single submitter. Criteria: Invitae Variant Classification Sherloc (09022015). Collection method: clinical testing. Allele origin: germline.
Comment: In summary, the available evidence is currently insufficient to determine the role of this variant in disease. Therefore, it has been classified as a Variant of Uncertain Significance. This sequence change replaces histidine, which is basic and polar, with arginine, which is basic and polar, at codon 147 of the ITM2B protein (p.His147Arg). This variant is not present in population databases (gnomAD no frequency). This variant has not been reported in the literature in individuals affected with ITM2B-related conditions. Algorithms developed to predict the effect of missense changes on protein structure and function (SIFT, PolyPhen-2, Align-GVGD) all suggest that this variant is likely to be disruptive.